The following is an entry in ClinVar:

ClinVar aggregate classification (germline): Pathogenic (1 of 4 stars; one submission).

Conditions:
Hereditary spastic paraplegia 2 (SPG2). Also called: SPASTIC PARAPLEGIA 2, X-LINKED; Spastic Paraplegia 2 (SPG2). Identifiers: Orphanet 99015, MedGen C0751604, MONDO:0010733, OMIM 312920.

Submission:

Labcorp Genetics (formerly Invitae), Labcorp
Classification: Pathogenic for Hereditary spastic paraplegia 2. Last evaluated: 2021-06-27. Review status: criteria provided, single submitter. Criteria: Invitae Variant Classification Sherloc (09022015). Collection method: clinical testing. Allele origin: germline.
Comment: A similar copy number variant has been observed in individual(s) with spastic paraplegia (PMID: 31448840). For these reasons, this variant has been classified as Pathogenic. This variant is a gross deletion of the genomic region encompassing exon(s) 1 of the PLP1 gene, which includes the initiator codon. The 5' end of this event is unknown as it extends beyond the assayed region for this gene and therefore may encompass additional genes. The 3' boundary is likely confined to intron 1 of the PLP1 gene. It is expected to result in an absent or disrupted protein product. Loss-of-function variants in PLP1 are known to be pathogenic (PMID: 18470932).

Literature cited by the submitters: PubMed 31448840; PubMed 18470932.

NC_000023.10:g.(?_103031003)_(103031929_?)del

Gene: PLP1 (proteolipid protein 1; plus strand). Cytogenetic location: Xq22.2.
Variant type: Deletion.
Identifiers: ClinVar variation 1458915 (VCV001458915.6).